The following is an entry in ClinVar:

NM_001368397.1(FRMPD4):c.1596G>A (p.Ala532=)

Gene: FRMPD4 (FERM and PDZ domain containing 4; plus strand). Cytogenetic location: Xp22.2.
Variant type: single nucleotide variant.
Coding change: c.1596G>A on transcript NM_001368397.1 (MANE Select); coding-DNA position 1596, G replaced by A.
Protein change: p.Ala532=; no amino-acid change (alanine 532 retained).
Molecular consequence: synonymous variant.
Genome position (GRCh38, 1-based): chrX:12,710,524, G>A. VCF-style: chrX-12710524-G-A. GRCh37 (hg19) VCF-style: chrX-12728643-G-A.
Other names: c.1707G>A, p.Ala569= (NM_001368395.3, NM_001368398.3); c.1602G>A, p.Ala534= (NM_001368396.3); c.1587G>A, p.Ala529= (NM_001368399.3); c.1476G>A, p.Ala492= (NM_001368400.3); c.1572G>A, p.Ala524= (NM_001368401.1, NM_001368402.3); c.1596G>A, p.Ala532= (NM_014728.3).
Identifiers: ClinVar variation 2673214 (VCV002673214.24), dbSNP rs774001975, ClinGen allele CA10349328.

ClinVar aggregate classification (germline): Likely benign. Review status: criteria provided, multiple submitters, no conflicts (2 of 4 stars). 2 submissions from 2 submitters: Likely benign (2). Last evaluated 2024-10-17.

Allele frequency attached by ClinVar (database versions not stated): ExAC 0.00002; gnomAD 0.00002; gnomAD exomes 0.00002; TOPMed 0.00002.
gnomAD v4.1: 21 of 1,205,112 alleles (0.0017%); highest among the groups gnomAD compares: Non-Finnish European, 0.002%; no homozygotes.

Submissions (2):

Blueprint Genetics
Classification: Likely benign. Last evaluated: 2024-10-17. Review status: criteria provided, single submitter. Criteria: ACMG Guidelines, 2015. Collection method: clinical testing. Allele origin: germline.

CeGaT Center for Human Genetics Tuebingen
Classification: Likely benign. Last evaluated: 2023-11-01. Review status: criteria provided, single submitter. Criteria: CeGaT Center For Human Genetics Tuebingen Variant Classification Criteria Version 2. Collection method: clinical testing. Allele origin: germline. Affected: yes. Observed: 1 variant allele.
Comment: FRMPD4: BP4, BP7